The following is an entry in ClinVar:

ClinVar aggregate classification (germline): Uncertain significance (1 of 4 stars; one submission).

Conditions:
Cataract 14 multiple types. Also called: CATARACT 14, ZONULAR PULVERULENT; CATARACT 14, NUCLEAR PULVERULENT; CATARACT 14, NUCLEAR PULVERULENT AND POSTERIOR POLAR; CATARACT 14, NUCLEAR CORALLIFORM; CATARACT 14, EMBRYONAL NUCLEAR; CATARACT 14, COPPOCK-LIKE. Identifiers: Orphanet 91492, MedGen C1866078, MONDO:0011162, OMIM 601885.

gnomAD v4.1: 7 of 1,550,262 alleles (0.00045%); highest among the groups gnomAD compares: Admixed American, 0.014%; no homozygotes.

Submission:

Labcorp Genetics (formerly Invitae), Labcorp
Classification: Uncertain significance for Cataract 14 multiple types. Last evaluated: 2025-04-30. Review status: criteria provided, single submitter. Criteria: Invitae Variant Classification Sherloc (09022015). Collection method: clinical testing. Allele origin: germline.
Comment: This sequence change replaces isoleucine, which is neutral and non-polar, with methionine, which is neutral and non-polar, at codon 435 of the GJA3 protein (p.Ile435Met). This variant is present in population databases (no rsID available, gnomAD 0.03%). This variant has not been reported in the literature in individuals affected with GJA3-related conditions. Invitae Evidence Modeling of protein sequence and biophysical properties (such as structural, functional, and spatial information, amino acid conservation, physicochemical variation, residue mobility, and thermodynamic stability) has been performed for this missense variant. However, the output from this modeling did not meet the statistical confidence thresholds required to predict the impact of this variant on GJA3 protein function. In summary, the available evidence is currently insufficient to determine the role of this variant in disease. Therefore, it has been classified as a Variant of Uncertain Significance.

NM_021954.4(GJA3):c.1305C>G (p.Ile435Met)

Gene: GJA3 (gap junction protein alpha 3; minus strand). Cytogenetic location: 13q12.11.
Variant type: single nucleotide variant.
Coding change: c.1305C>G on transcript NM_021954.4 (MANE Select); coding-DNA position 1305, C replaced by G.
Protein change: p.Ile435Met; replaces isoleucine 435 with methionine.
Molecular consequence: missense variant.
Genome position (GRCh38, 1-based): chr13:20,141,984, G>C on the plus strand (C>G on the coding strand, the complement: GJA3 is on the minus strand). VCF-style: chr13-20141984-G-C. GRCh37 (hg19) VCF-style: chr13-20716123-G-C.
Other names: short protein forms I435M.
Identifiers: ClinVar variation 4776643 (VCV004776643.1).